The following is an entry in ClinVar:

NM_014956.5(CEP164):c.687+5T>A

Gene: CEP164 (centrosomal protein 164; plus strand). Cytogenetic location: 11q23.3.
Variant type: single nucleotide variant.
Coding change: c.687+5T>A on transcript NM_014956.5 (MANE Select); 5 bases into the intron after coding-DNA position 687, T replaced by A.
Molecular consequence: intron variant.
Genome position (GRCh38, 1-based): chr11:117,362,543, T>A. VCF-style: chr11-117362543-T-A. GRCh37 (hg19) VCF-style: chr11-117233259-T-A.
Other names: c.687+5T>A (NM_001271933.2).
Identifiers: ClinVar variation 1990544 (VCV001990544.4), dbSNP rs2540958085, ClinGen allele CA2580083657.

ClinVar aggregate classification (germline): Uncertain significance (1 of 4 stars; one submission).

Conditions:
Nephronophthisis 15 (NPHP15). Identifiers: Orphanet 3156, MedGen C3541853, MONDO:0013917, OMIM 614845.

gnomAD v4.1: 1 of 1,612,814 alleles (0.000062%); highest among the groups gnomAD compares: Non-Finnish European, 0.000085%; no homozygotes.

Submission:

Labcorp Genetics (formerly Invitae), Labcorp
Classification: Uncertain significance for Nephronophthisis 15. Last evaluated: 2024-02-24. Review status: criteria provided, single submitter. Criteria: Invitae Variant Classification Sherloc (09022015). Collection method: clinical testing. Allele origin: germline.
Comment: This sequence change falls in intron 7 of the CEP164 gene. It does not directly change the encoded amino acid sequence of the CEP164 protein. It affects a nucleotide within the consensus splice site. This variant is not present in population databases (gnomAD no frequency). This variant has not been reported in the literature in individuals affected with CEP164-related conditions. ClinVar contains an entry for this variant (Variation ID: 1990544). Variants that disrupt the consensus splice site are a relatively common cause of aberrant splicing (PMID: 17576681, 9536098). Algorithms developed to predict the effect of sequence changes on RNA splicing suggest that this variant is not likely to affect RNA splicing. In summary, the available evidence is currently insufficient to determine the role of this variant in disease. Therefore, it has been classified as a Variant of Uncertain Significance.

Literature cited by the submitters: PubMed 17576681; PubMed 9536098.